The following is an entry in ClinVar:

NM_006852.6(TLK2):c.879C>T (p.Arg293=)

Gene: TLK2 (tousled like kinase 2; plus strand). Cytogenetic location: 17q23.2.
Variant type: single nucleotide variant.
Coding change: c.879C>T on transcript NM_006852.6 (MANE Select); coding-DNA position 879, C replaced by T.
Protein change: p.Arg293=; no amino-acid change (arginine 293 retained).
Molecular consequence: synonymous variant.
Genome position (GRCh38, 1-based): chr17:62,565,048, C>T. VCF-style: chr17-62565048-C-T. GRCh37 (hg19) VCF-style: chr17-60642409-C-T.
Other names: c.879C>T, p.Arg293= (NM_001284333.3, NM_001375270.1, NM_001375271.1); c.783C>T, p.Arg261= (NM_001284363.1, NM_001375272.1); c.432C>T, p.Arg144= (NM_001330418.3, NM_001375273.1); c.921C>T, p.Arg307= (NM_001375269.1); c.594C>T, p.Arg198= (NM_001411074.1).
Identifiers: ClinVar variation 3772402 (VCV003772402.13).

ClinVar aggregate classification (germline): Likely benign (1 of 4 stars; one submission).

Submission:

CeGaT Center for Human Genetics Tuebingen
Classification: Likely benign. Last evaluated: 2025-02-01. Review status: criteria provided, single submitter. Criteria: CeGaT Center For Human Genetics Tuebingen Variant Classification Criteria Version 2. Collection method: clinical testing. Allele origin: germline. Affected: yes. Observed: 1 variant allele.
Comment: TLK2: PM2:Supporting, BP4, BP7